The following is an entry in ClinVar:

ClinVar aggregate classification (germline): Uncertain significance (1 of 4 stars; one submission).

Conditions:
Cystic fibrosis (CF). Also called: MUCOVISCIDOSIS. Identifiers: Orphanet 586, MedGen C0010674, MONDO:0009061, OMIM 219700. Disease mechanism: loss of function.

Submission:

Ambry Genetics
Classification: Uncertain significance for Cystic fibrosis. Last evaluated: 2015-04-03. Review status: criteria provided, single submitter. Criteria: Ambry Variant Classification Scheme 2023. Collection method: clinical testing. Allele origin: germline.
Comment: The c.-752A>G alteration is located in the 5' untranslated region (5'UTR) of the CFTR gene. This alteration consists of a A to G substitution nucleotides upstream from the first translated codon. Based on insufficient or conflicting evidence, the clinical significance of this alteration remains unclear.

NM_000492.3(CFTR):c.-752A>G

Genes: CFTR (CF transmembrane conductance regulator; plus strand), LOC111674463 (CFTR promoter region; plus strand). Cytogenetic location: 7q31.2.
Variant type: single nucleotide variant.
Coding change: c.-752A>G on transcript NM_000492.3; 752 bases upstream of the start codon, A replaced by G.
Genome position (GRCh38, 1-based): chr7:117,479,343, A>G. VCF-style: chr7-117479343-A-G. GRCh37 (hg19) VCF-style: chr7-117119397-A-G.
Identifiers: ClinVar variation 3076103 (VCV003076103.1), dbSNP rs1797946768, ClinGen allele CA2825001510.